The following is an entry in ClinVar:

ClinVar aggregate classification (germline): Uncertain significance (1 of 4 stars; one submission).

Conditions:
Benign neonatal seizures. Also called: Benign neonatal familial convulsions; Benign familial neonatal epilepsy; Convulsions benign familial neonatal dominant form; Autosomal dominant form of benign neonatal seizures; Benign familial neonatal seizures. Identifiers: Orphanet 1949, MedGen C0220669, MONDO:0016027.

Allele frequency attached by ClinVar (database versions not stated): gnomAD exomes below 0.00001; gnomAD 0.00001; TOPMed 0.00001.
gnomAD v4.1: 4 of 1,613,854 alleles (0.00025%); highest among the groups gnomAD compares: Non-Finnish European, 0.00034%; no homozygotes.

Submission:

Labcorp Genetics (formerly Invitae), Labcorp
Classification: Uncertain significance for Benign neonatal seizures. Last evaluated: 2022-07-19. Review status: criteria provided, single submitter. Criteria: Invitae Variant Classification Sherloc (09022015). Collection method: clinical testing. Allele origin: germline.
Comment: Advanced modeling of protein sequence and biophysical properties (such as structural, functional, and spatial information, amino acid conservation, physicochemical variation, residue mobility, and thermodynamic stability) performed at Invitae indicates that this missense variant is not expected to disrupt KCNQ3 protein function. Algorithms developed to predict the effect of sequence changes on RNA splicing suggest that this variant may disrupt the consensus splice site. In summary, the available evidence is currently insufficient to determine the role of this variant in disease. Therefore, it has been classified as a Variant of Uncertain Significance. ClinVar contains an entry for this variant (Variation ID: 1056432). This variant has not been reported in the literature in individuals affected with KCNQ3-related conditions. This variant is present in population databases (no rsID available, gnomAD 0.0009%). This sequence change replaces glycine, which is neutral and non-polar, with alanine, which is neutral and non-polar, at codon 588 of the KCNQ3 protein (p.Gly588Ala).

NM_004519.4(KCNQ3):c.1763G>C (p.Gly588Ala)

Gene: KCNQ3 (potassium voltage-gated channel subfamily Q member 3; minus strand). Cytogenetic location: 8q24.22.
Variant type: single nucleotide variant.
Coding change: c.1763G>C on transcript NM_004519.4 (MANE Select); coding-DNA position 1763, G replaced by C.
Protein change: p.Gly588Ala; replaces glycine 588 with alanine.
Molecular consequence: missense variant.
Genome position (GRCh38, 1-based): chr8:132,134,326, C>G on the plus strand (G>C on the coding strand, the complement: KCNQ3 is on the minus strand). VCF-style: chr8-132134326-C-G. GRCh37 (hg19) VCF-style: chr8-133146573-C-G.
Other names: c.1403G>C, p.Gly468Ala (NM_001204824.2); short protein forms G468A, G588A.
Identifiers: ClinVar variation 1056432 (VCV001056432.9), dbSNP rs1389239356, ClinGen allele CA372218139.